The following is an entry in ClinVar:

ClinVar aggregate classification (germline): Uncertain significance (1 of 4 stars; one submission).

Conditions:
Neonatal-onset encephalopathy with rigidity and seizures. Also called: Lethal neonatal spasticity-epileptic encephalopathy syndrome. Identifiers: Orphanet 435845, MedGen C3281029, MONDO:0013784, OMIM 614498.

Allele frequency attached by ClinVar (database versions not stated): gnomAD exomes 0.00001; ExAC 0.00002; TOPMed 0.00002.
gnomAD v4.1: 10 of 1,591,654 alleles (0.00063%); highest among the groups gnomAD compares: Non-Finnish European, 0.00077%; no homozygotes.

Submission:

Labcorp Genetics (formerly Invitae), Labcorp
Classification: Uncertain significance for Neonatal-onset encephalopathy with rigidity and seizures. Last evaluated: 2024-10-15. Review status: criteria provided, single submitter. Criteria: Invitae Variant Classification Sherloc (09022015). Collection method: clinical testing. Allele origin: germline.
Comment: This sequence change replaces threonine, which is neutral and polar, with methionine, which is neutral and non-polar, at codon 809 of the BRAT1 protein (p.Thr809Met). This variant is present in population databases (rs779616647, gnomAD 0.006%). This variant has not been reported in the literature in individuals affected with BRAT1-related conditions. ClinVar contains an entry for this variant (Variation ID: 860591). Invitae Evidence Modeling of protein sequence and biophysical properties (such as structural, functional, and spatial information, amino acid conservation, physicochemical variation, residue mobility, and thermodynamic stability) indicates that this missense variant is not expected to disrupt BRAT1 protein function with a negative predictive value of 95%. In summary, the available evidence is currently insufficient to determine the role of this variant in disease. Therefore, it has been classified as a Variant of Uncertain Significance.

NM_152743.4(BRAT1):c.2426C>T (p.Thr809Met)

Gene: BRAT1 (BRCA1 associated ATM activator 1; minus strand). Cytogenetic location: 7p22.3.
Variant type: single nucleotide variant.
Coding change: c.2426C>T on transcript NM_152743.4 (MANE Select); coding-DNA position 2426, C replaced by T.
Protein change: p.Thr809Met; replaces threonine 809 with methionine.
Molecular consequence: missense variant. On other transcripts: non-coding transcript variant (1).
Genome position (GRCh38, 1-based): chr7:2,538,109, G>A on the plus strand (C>T on the coding strand, the complement: BRAT1 is on the minus strand). VCF-style: chr7-2538109-G-A. GRCh37 (hg19) VCF-style: chr7-2577743-G-A.
Other names: c.2606C>T, p.Thr869Met (NM_001350626.2); c.1901C>T, p.Thr634Met (NM_001350627.2); short protein forms T634M, T809M, T869M.
Identifiers: ClinVar variation 860591 (VCV000860591.8), dbSNP rs779616647, ClinGen allele CA4127365.